The following is an entry in ClinVar:

ClinVar aggregate classification (germline): Uncertain significance. Review status: criteria provided, multiple submitters, no conflicts (2 of 4 stars). 4 submissions from 4 submitters: Uncertain significance (4). Last evaluated 2026-04-02.

Conditions:
Epilepsy, familial focal, with variable foci 3 (FFEVF3). Identifiers: MedGen C4310708, MONDO:0014925, OMIM 617118.

Submissions (4):

Greenwood Genetic Center Diagnostic Laboratories, Greenwood Genetic Center
Classification: Uncertain significance. Last evaluated: 2026-04-02. Review status: criteria provided, single submitter. Criteria: ACMG Guidelines, 2015. Collection method: clinical testing. Allele origin: germline.
Comment: PM2, BP4

Labcorp Genetics (formerly Invitae), Labcorp
Classification: Uncertain significance for Epilepsy, familial focal, with variable foci 3. Last evaluated: 2024-01-17. Review status: criteria provided, single submitter. Criteria: Invitae Variant Classification Sherloc (09022015). Collection method: clinical testing. Allele origin: germline.
Comment: This sequence change replaces histidine with glutamine at codon 354 of the NPRL3 protein (p.His354Gln). The histidine residue is weakly conserved and there is a small physicochemical difference between histidine and glutamine. This variant is not present in population databases (gnomAD no frequency). This variant has not been reported in the literature in individuals affected with NPRL3-related conditions. ClinVar contains an entry for this variant (Variation ID: 982941). Advanced modeling of protein sequence and biophysical properties (such as structural, functional, and spatial information, amino acid conservation, physicochemical variation, residue mobility, and thermodynamic stability) performed at Invitae indicates that this missense variant is not expected to disrupt NPRL3 protein function with a negative predictive value of 80%. In summary, the available evidence is currently insufficient to determine the role of this variant in disease. Therefore, it has been classified as a Variant of Uncertain Significance.

CeGaT Center for Human Genetics Tuebingen
Classification: Uncertain significance. Last evaluated: 2023-09-01. Review status: criteria provided, single submitter. Criteria: CeGaT Center For Human Genetics Tuebingen Variant Classification Criteria Version 2. Collection method: clinical testing. Allele origin: germline. Affected: yes. Observed: 1 variant allele.
Comment: NPRL3: PM2, BP4

Institute of Human Genetics, University of Leipzig Medical Center
Classification: Uncertain significance for Epilepsy, familial focal, with variable foci 3. Last evaluated: 2019-01-01. Review status: criteria provided, single submitter. Criteria: ACMG Guidelines, 2015. Collection method: clinical testing. Allele origin: unknown. Affected: yes.

NM_001077350.3(NPRL3):c.1062C>A (p.His354Gln)

Genes: HBA-LCR (alpha-globin locus control region; plus strand), NPRL3 (NPR3 like, GATOR1 complex subunit; minus strand). Cytogenetic location: 16p13.3.
Variant type: single nucleotide variant.
Coding change: c.1062C>A on transcript NM_001077350.3 (MANE Select); coding-DNA position 1062, C replaced by A.
Protein change: p.His354Gln; replaces histidine 354 with glutamine.
Molecular consequence: missense variant.
Genome position (GRCh38, 1-based): chr16:92,695, G>T on the plus strand (C>A on the coding strand, the complement: NPRL3 is on the minus strand). VCF-style: chr16-92695-G-T. GRCh37 (hg19) VCF-style: chr16-142693-G-T.
Other names: c.525C>A, p.His175Gln (NM_001039476.3); c.828C>A, p.His276Gln (NM_001243247.2); c.987C>A, p.His329Gln (NM_001243248.2, NM_001243249.2); short protein forms H175Q, H276Q, H329Q, H354Q.
Identifiers: ClinVar variation 982941 (VCV000982941.31), dbSNP rs1898813434, ClinGen allele CA394053140.